The following is an entry in ClinVar:

NM_001754.5(RUNX1):c.203C>T (p.Ala68Val)

Gene: RUNX1 (RUNX family transcription factor 1; minus strand). Cytogenetic location: 21q22.12.
Variant type: single nucleotide variant.
Coding change: c.203C>T on transcript NM_001754.5 (MANE Select); coding-DNA position 203, C replaced by T.
Protein change: p.Ala68Val; replaces alanine 68 with valine.
Molecular consequence: missense variant.
Genome position (GRCh38, 1-based): chr21:34,886,991, G>A on the plus strand (C>T on the coding strand, the complement: RUNX1 is on the minus strand). VCF-style: chr21-34886991-G-A. GRCh37 (hg19) VCF-style: chr21-36259288-G-A.
Other names: NM_001754.5(RUNX1):c.203C>T; p.Ala68Val; c.122C>T, p.Ala41Val (NM_001001890.3, NM_001122607.2); short protein forms A41V, A68V.
Identifiers: ClinVar variation 3672603 (VCV003672603.3).

ClinVar aggregate classification (germline): Uncertain significance. Review status: reviewed by expert panel (3 of 4 stars). 2 submissions from 2 submitters: Uncertain significance (1). 1 of the submissions does not count toward it. Last evaluated 2025-05-02.

Conditions:
Hereditary thrombocytopenia and hematologic cancer predisposition syndrome. Identifiers: Orphanet 71290, MedGen CN281654, MONDO:0011071.
Hereditary thrombocytopenia and hematological cancer predisposition syndrome associated with RUNX1. Also called: Familial Platelet Disorder with Propensity to Acute Myelogenous Leukemia; Familial thrombocytopenia with propensity to acute myelogenous leukemia; PLATELET DISORDER, ASPIRIN-LIKE; RUNX1 Familial Platelet Disorder with Associated Myeloid Malignancies. Identifiers: Orphanet 71290, MedGen C1832388, MeSH C563324, MONDO:0100083, OMIM 601399.

Submissions (2):

ClinGen Myeloid Malignancy Variant Curation Expert Panel
Classification: Uncertain significance for Hereditary thrombocytopenia and hematologic cancer predisposition syndrome. Last evaluated: 2025-05-02. Review status: reviewed by expert panel. Criteria: ClinGen MyeloMalig ACMG Specifications v2. Collection method: curation. Allele origin: germline. Inheritance: Autosomal dominant inheritance.
Comment: NM_001754.5(RUNX1):c.203C>T (p.Ala68Val) is a missense variant which has a REVEL score < 0.50 (0.313) and a SpliceAI score ≤ 0.20 (0.01) (BP4). This variant is completely absent from all population databases with at least 20x coverage for RUNX1 (PM2_Supporting). In summary, the clinical significance of this variant is uncertain. ACMG/AMP criteria applied, as specified by the Myeloid Malignancy Variant Curation Expert Panel for RUNX1: BP4, PM2_Supporting.

Labcorp Genetics (formerly Invitae), Labcorp
Classification: Uncertain significance for Hereditary thrombocytopenia and hematological cancer predisposition syndrome associated with RUNX1. Last evaluated: 2024-11-26. Review status: criteria provided, single submitter. Criteria: Invitae Variant Classification Sherloc (09022015). Collection method: clinical testing. Allele origin: germline. Not counted in ClinVar's aggregate classification.
Comment: This sequence change replaces alanine, which is neutral and non-polar, with valine, which is neutral and non-polar, at codon 68 of the RUNX1 protein (p.Ala68Val). This variant is not present in population databases (gnomAD no frequency). This variant has not been reported in the literature in individuals affected with RUNX1-related conditions. An algorithm developed to predict the effect of missense changes on protein structure and function outputs the following: PolyPhen-2: "Benign". The valine amino acid residue is found in multiple mammalian species, which suggests that this missense change does not adversely affect protein function. In summary, the available evidence is currently insufficient to determine the role of this variant in disease. Therefore, it has been classified as a Variant of Uncertain Significance.